The following is an entry in ClinVar:

ClinVar aggregate classification (germline): Uncertain significance (1 of 4 stars; one submission).

Allele frequency attached by ClinVar (database versions not stated): gnomAD exomes 0.00003; TOPMed 0.00006; ESP Exome Variant Server 0.00008; 1000 Genomes Project 30x 0.00016.
gnomAD v4.1: 55 of 1,613,604 alleles (0.0034%); highest among the groups gnomAD compares: Middle Eastern, 0.033%; 1 homozygote.

Submission:

Labcorp Genetics (formerly Invitae), Labcorp
Classification: Uncertain significance. Last evaluated: 2024-06-03. Review status: criteria provided, single submitter. Criteria: Invitae Variant Classification Sherloc (09022015). Collection method: clinical testing. Allele origin: germline.
Comment: This sequence change replaces alanine, which is neutral and non-polar, with threonine, which is neutral and polar, at codon 788 of the KANK2 protein (p.Ala788Thr). This variant is present in population databases (rs368328659, gnomAD 0.01%). This variant has not been reported in the literature in individuals affected with KANK2-related conditions. ClinVar contains an entry for this variant (Variation ID: 1909837). Algorithms developed to predict the effect of missense changes on protein structure and function output the following: SIFT: "Not Available"; PolyPhen-2: "Benign"; Align-GVGD: "Not Available". The threonine amino acid residue is found in multiple mammalian species, which suggests that this missense change does not adversely affect protein function. In summary, the available evidence is currently insufficient to determine the role of this variant in disease. Therefore, it has been classified as a Variant of Uncertain Significance.

NM_001136191.3(KANK2):c.2362G>A (p.Ala788Thr)

Gene: KANK2 (KN motif and ankyrin repeat domains 2; minus strand). Cytogenetic location: 19p13.2.
Variant type: single nucleotide variant.
Coding change: c.2362G>A on transcript NM_001136191.3 (MANE Select); coding-DNA position 2362, G replaced by A.
Protein change: p.Ala788Thr; replaces alanine 788 with threonine.
Molecular consequence: missense variant.
Genome position (GRCh38, 1-based): chr19:11,170,098, C>T on the plus strand (G>A on the coding strand, the complement: KANK2 is on the minus strand). VCF-style: chr19-11170098-C-T. GRCh37 (hg19) VCF-style: chr19-11280774-C-T.
Other names: c.2362G>A, p.Ala788Thr (NM_001329451.2, NM_001379555.1, NM_001379556.1 and 7 more transcripts); c.2386G>A, p.Ala796Thr (NM_001379548.1, NM_001379549.1, NM_001379550.1 and 5 more transcripts); short protein forms A788T, A796T.
Identifiers: ClinVar variation 1909837 (VCV001909837.4), dbSNP rs368328659, ClinGen allele CA9205290.